The following is an entry in ClinVar:

ClinVar aggregate classification (germline): Uncertain significance (1 of 4 stars; one submission).

Submission:

Labcorp Genetics (formerly Invitae), Labcorp
Classification: Uncertain significance. Last evaluated: 2022-08-19. Review status: criteria provided, single submitter. Criteria: Invitae Variant Classification Sherloc (09022015). Collection method: clinical testing. Allele origin: germline.
Comment: In summary, the available evidence is currently insufficient to determine the role of this variant in disease. Therefore, it has been classified as a Variant of Uncertain Significance. Algorithms developed to predict the effect of missense changes on protein structure and function are either unavailable or do not agree on the potential impact of this missense change (SIFT: "Deleterious"; PolyPhen-2: "Probably Damaging"; Align-GVGD: "Class C0"). This variant has not been reported in the literature in individuals affected with DGAT1-related conditions. This variant is not present in population databases (gnomAD no frequency). This sequence change replaces methionine, which is neutral and non-polar, with threonine, which is neutral and polar, at codon 471 of the DGAT1 protein (p.Met471Thr).

NM_012079.6(DGAT1):c.1412T>C (p.Met471Thr)

Gene: DGAT1 (diacylglycerol O-acyltransferase 1; minus strand). Cytogenetic location: 8q24.3.
Variant type: single nucleotide variant.
Coding change: c.1412T>C on transcript NM_012079.6 (MANE Select); coding-DNA position 1412, T replaced by C.
Protein change: p.Met471Thr; replaces methionine 471 with threonine.
Molecular consequence: missense variant.
Genome position (GRCh38, 1-based): chr8:144,316,609, A>G on the plus strand (T>C on the coding strand, the complement: DGAT1 is on the minus strand). VCF-style: chr8-144316609-A-G. GRCh37 (hg19) VCF-style: chr8-145540272-A-G.
Other names: short protein forms M471T.
Identifiers: ClinVar variation 1896603 (VCV001896603.4), dbSNP rs2488946024, ClinGen allele CA372607622.